The following is an entry in ClinVar:

ClinVar aggregate classification (germline): Uncertain significance (1 of 4 stars; one submission).

Allele frequency attached by ClinVar (database versions not stated): gnomAD exomes 0.00002 and 0.00008; gnomAD 0.00003 and 0.00004; ExAC 0.00007; TOPMed 0.00009.
gnomAD v4.1: 37 of 1,613,856 alleles (0.0023%); highest among the groups gnomAD compares: East Asian, 0.078%; no homozygotes.

Submission:

Labcorp Genetics (formerly Invitae), Labcorp
Classification: Uncertain significance. Last evaluated: 2023-08-07. Review status: criteria provided, single submitter. Criteria: Invitae Variant Classification Sherloc (09022015). Collection method: clinical testing. Allele origin: germline.
Comment: This variant is present in population databases (rs761773314, gnomAD 0.1%). In summary, the available evidence is currently insufficient to determine the role of this variant in disease. Therefore, it has been classified as a Variant of Uncertain Significance. An algorithm developed to predict the effect of missense changes on protein structure and function (PolyPhen-2) suggests that this variant is likely to be disruptive. ClinVar contains an entry for this variant (Variation ID: 1353981). This variant has not been reported in the literature in individuals affected with MYO18B-related conditions. This sequence change replaces arginine, which is basic and polar, with serine, which is neutral and polar, at codon 2384 of the MYO18B protein (p.Arg2384Ser).

NM_032608.7(MYO18B):c.7152G>T (p.Arg2384Ser)

Gene: MYO18B (myosin XVIIIB; plus strand). Cytogenetic location: 22q12.1.
Variant type: single nucleotide variant.
Coding change: c.7152G>T on transcript NM_032608.7 (MANE Select); coding-DNA position 7152, G replaced by T.
Protein change: p.Arg2384Ser; replaces arginine 2384 with serine.
Molecular consequence: missense variant.
Genome position (GRCh38, 1-based): chr22:26,027,126, G>T. VCF-style: chr22-26027126-G-T. GRCh37 (hg19) VCF-style: chr22-26423092-G-T.
Other names: c.7155G>T, p.Arg2385Ser (NM_001318245.2); short protein forms R2384S, R2385S.
Identifiers: ClinVar variation 1353981 (VCV001353981.5), dbSNP rs761773314, ClinGen allele CA10161705.